The following is an entry in ClinVar:

ClinVar aggregate classification (germline): Conflicting classifications of pathogenicity. Review status: criteria provided, conflicting classifications (1 of 4 stars). 2 submissions from 2 submitters: Uncertain significance (1); Likely benign (1). Last evaluated 2024-11-03.

Conditions:
Developmental and epileptic encephalopathy, 42 (DEE42A). Also called: DEVELOPMENTAL AND EPILEPTIC ENCEPHALOPATHY 42A; EPILEPTIC ENCEPHALOPATHY, EARLY INFANTILE, 42A; Epileptic encephalopathy, early infantile, 42. Identifiers: MedGen C4310716, MONDO:0014917, OMIM 617106.
Episodic ataxia type 2 (EA2). Also called: CEREBELLAR ATAXIA, PAROXYSMAL, ACETAZOLAMIDE-RESPONSIVE; CEREBELLOPATHY, HEREDITARY PAROXYSMAL; EPISODIC ATAXIA, NYSTAGMUS-ASSOCIATED; ACETAZOLAMIDE-RESPONSIVE HEREDITARY PAROXYSMAL CEREBELLAR ATAXIA; ATAXIA, EPISODIC, WITH NYSTAGMUS; ATAXIA, FAMILIAL PAROXYSMAL. Identifiers: Orphanet 97, MedGen C1720416, MONDO:0007163, OMIM 108500.

Allele frequency attached by ClinVar (database versions not stated): gnomAD exomes 0.00006 and 0.00003; gnomAD below 0.00001 and 0.00001; ExAC 0.00008.
gnomAD v4.1: 45 of 1,613,860 alleles (0.0028%); highest among the groups gnomAD compares: South Asian, 0.044%; 1 homozygote.

Submissions (2):

Labcorp Genetics (formerly Invitae), Labcorp
Classification: Likely benign for Developmental and epileptic encephalopathy, 42; Episodic ataxia type 2. Last evaluated: 2024-11-03. Review status: criteria provided, single submitter. Criteria: Invitae Variant Classification Sherloc (09022015). Collection method: clinical testing. Allele origin: germline.

GeneDx
Classification: Uncertain significance. Last evaluated: 2023-11-07. Review status: criteria provided, single submitter. Criteria: GeneDx Variant Classification Process June 2021. Collection method: clinical testing. Allele origin: germline. Affected: yes.
Comment: In silico analysis supports that this missense variant has a deleterious effect on protein structure/function; Has not been previously published as pathogenic or benign to our knowledge

NM_001127222.2(CACNA1A):c.3574G>A (p.Asp1192Asn)

Gene: CACNA1A (calcium voltage-gated channel subunit alpha1 A; minus strand). Cytogenetic location: 19p13.13.
Variant type: single nucleotide variant.
Coding change: c.3574G>A on transcript NM_001127222.2 (MANE Select); coding-DNA position 3574, G replaced by A.
Protein change: p.Asp1192Asn; replaces aspartic acid 1192 with asparagine.
Molecular consequence: missense variant.
Genome position (GRCh38, 1-based): chr19:13,285,186, C>T on the plus strand (G>A on the coding strand, the complement: CACNA1A is on the minus strand). VCF-style: chr19-13285186-C-T. GRCh37 (hg19) VCF-style: chr19-13396000-C-T.
Other names: c.3586G>A, p.Asp1196Asn (NM_000068.4, NM_023035.3); c.3577G>A, p.Asp1193Asn (NM_001127221.2, NM_001174080.2); short protein forms D1192N, D1196N, D1193N.
Identifiers: ClinVar variation 940400 (VCV000940400.11), dbSNP rs773649403, ClinGen allele CA9240265.